The following is an entry in ClinVar:

NM_000343.4(SLC5A1):c.581C>T (p.Thr194Ile)

Gene: SLC5A1 (solute carrier family 5 member 1; plus strand). Cytogenetic location: 22q12.3.
Variant type: single nucleotide variant.
Coding change: c.581C>T on transcript NM_000343.4 (MANE Select); coding-DNA position 581, C replaced by T.
Protein change: p.Thr194Ile; replaces threonine 194 with isoleucine.
Molecular consequence: missense variant.
Genome position (GRCh38, 1-based): chr22:32,081,969, C>T. VCF-style: chr22-32081969-C-T. GRCh37 (hg19) VCF-style: chr22-32477956-C-T.
Other names: c.200C>T, p.Thr67Ile (NM_001256314.2); short protein forms T194I, T67I.
Identifiers: ClinVar variation 1952106 (VCV001952106.5), dbSNP rs2517659899, ClinGen allele CA411302525.

ClinVar aggregate classification (germline): Uncertain significance (1 of 4 stars; one submission).

Conditions:
Congenital glucose-galactose malabsorption (GGM). Also called: DIARRHEA 16; MONOSACCHARIDE MALABSORPTION. Identifiers: Orphanet 35710, MedGen C0268186, MONDO:0011731, OMIM 606824.

Submission:

Labcorp Genetics (formerly Invitae), Labcorp
Classification: Uncertain significance for Congenital glucose-galactose malabsorption. Last evaluated: 2024-12-16. Review status: criteria provided, single submitter. Criteria: Invitae Variant Classification Sherloc (09022015). Collection method: clinical testing. Allele origin: germline.
Comment: This sequence change replaces threonine, which is neutral and polar, with isoleucine, which is neutral and non-polar, at codon 194 of the SLC5A1 protein (p.Thr194Ile). This variant is not present in population databases (gnomAD no frequency). This variant has not been reported in the literature in individuals affected with SLC5A1-related conditions. ClinVar contains an entry for this variant (Variation ID: 1952106). Invitae Evidence Modeling of protein sequence and biophysical properties (such as structural, functional, and spatial information, amino acid conservation, physicochemical variation, residue mobility, and thermodynamic stability) has been performed for this missense variant. However, the output from this modeling did not meet the statistical confidence thresholds required to predict the impact of this variant on SLC5A1 protein function. In summary, the available evidence is currently insufficient to determine the role of this variant in disease. Therefore, it has been classified as a Variant of Uncertain Significance.